The following is an entry in ClinVar:

ClinVar aggregate classification (germline): Uncertain significance. Review status: criteria provided, multiple submitters, no conflicts (2 of 4 stars). 2 submissions from 2 submitters: Uncertain significance (2). Last evaluated 2024-03-04.

Allele frequency attached by ClinVar (database versions not stated): gnomAD 0.00001; TOPMed 0.00001; gnomAD exomes 0.00002.

Submissions (2):

Labcorp Genetics (formerly Invitae), Labcorp
Classification: Uncertain significance. Last evaluated: 2024-03-04. Review status: criteria provided, single submitter. Criteria: Invitae Variant Classification Sherloc (09022015). Collection method: clinical testing. Allele origin: germline.
Comment: This sequence change replaces leucine, which is neutral and non-polar, with phenylalanine, which is neutral and non-polar, at codon 1177 of the OTOG protein (p.Leu1177Phe). This variant is not present in population databases (gnomAD no frequency). This variant has not been reported in the literature in individuals affected with OTOG-related conditions. ClinVar contains an entry for this variant (Variation ID: 1981563). An algorithm developed to predict the effect of missense changes on protein structure and function (PolyPhen-2) suggests that this variant is likely to be disruptive. In summary, the available evidence is currently insufficient to determine the role of this variant in disease. Therefore, it has been classified as a Variant of Uncertain Significance.

Blueprint Genetics
Classification: Uncertain significance. Last evaluated: 2019-01-30. Review status: criteria provided, single submitter. Criteria: ACMG Guidelines, 2015. Collection method: clinical testing. Allele origin: germline.

NM_001292063.2(OTOG):c.3493C>T (p.Leu1165Phe)

Gene: OTOG (otogelin; plus strand). Cytogenetic location: 11p15.1.
Variant type: single nucleotide variant.
Coding change: c.3493C>T on transcript NM_001292063.2 (MANE Select); coding-DNA position 3493, C replaced by T.
Protein change: p.Leu1165Phe; replaces leucine 1165 with phenylalanine.
Molecular consequence: missense variant.
Genome position (GRCh38, 1-based): chr11:17,596,122, C>T. VCF-style: chr11-17596122-C-T. GRCh37 (hg19) VCF-style: chr11-17617669-C-T.
Other names: c.3529C>T, p.Leu1177Phe (NM_001277269.2); short protein forms L1165F, L1177F.
Identifiers: ClinVar variation 1981563 (VCV001981563.5), dbSNP rs1211939338, ClinGen allele CA379785772.